The following is an entry in ClinVar:

NC_000016.10:g.(?_88813734)_(88856758_?)del

Genes: GALNS (galactosamine (N-acetyl)-6-sulfatase; minus strand), TRAPPC2L (trafficking protein particle complex subunit 2L; plus strand), LOC130059761 (ATAC-STARR-seq lymphoblastoid silent region 7882; plus strand), LOC130059762 (ATAC-STARR-seq lymphoblastoid silent region 7883; plus strand), LOC132090440 (Neanderthal introgressed variant-containing enhancer experimental_46374; plus strand) and 1 more. Cytogenetic location: 16q24.3.
Variant type: Deletion.
Identifiers: ClinVar variation 1048366 (VCV001048366.3).

ClinVar aggregate classification (germline): Pathogenic (1 of 4 stars; one submission).

Conditions:
Mucopolysaccharidosis, MPS-IV-A (MPS4A). Also called: Mucopolysaccharidosis type IV A; Mucopolysaccharidosis Type IVA; Morquio syndrome A, mild; MORQUIO SYNDROME A; MPS IVA; mucopolysaccharidosis type 4A. Identifiers: Orphanet 309297, Orphanet 582, MedGen C0086651, MONDO:0009659, OMIM 253000.

Submission:

Laboratory of Diagnosis and Therapy of Lysosomal Disorders, University of Padova
Classification: Pathogenic for Mucopolysaccharidosis, MPS-IV-A. Last evaluated: 2021-02-01. Review status: criteria provided, single submitter. Criteria: ACMG Guidelines, 2015. Collection method: curation. Allele origin: germline. Affected: yes.
Comment: Multiexon deletion(PVS1_very strong); located in a mutational hot spot and/or critical and well-established functional domain without benign variation (PM1_moderate); absent from gnomAD v2.1.1 (PM2_moderate)

Literature cited by the submitters: PubMed 7795586; PubMed 8829629; PubMed 34387910.